The following is an entry in ClinVar:

ClinVar aggregate classification (germline): Uncertain significance. Review status: criteria provided, multiple submitters, no conflicts (2 of 4 stars). 3 submissions from 3 submitters: Uncertain significance (3). Last evaluated 2024-01-22.

Conditions:
Neuropathy, hereditary sensory and autonomic, type 2A (HSAN2A). Also called: MORVAN DISEASE; NEUROPATHY, CONGENITAL SENSORY; NEUROPATHY, HEREDITARY SENSORY RADICULAR, AUTOSOMAL RECESSIVE; NEUROPATHY, HEREDITARY SENSORY, TYPE IIA; NEUROPATHY, PROGRESSIVE SENSORY, OF CHILDREN; ACROOSTEOLYSIS, GIACCAI TYPE. Identifiers: Orphanet 970, MedGen C2752089, MONDO:0024309, OMIM 201300.
Pseudohypoaldosteronism type 2C (PHA2C). Also called: Pseudohypoaldosteronism Type IIC. Identifiers: Orphanet 757, Orphanet 88940, MedGen C1840391, MONDO:0013778, OMIM 614492.
Inborn genetic diseases. Identifiers: MedGen C0950123, MeSH D030342.

Allele frequency attached by ClinVar (database versions not stated): gnomAD exomes below 0.00001; TOPMed below 0.00001.
gnomAD v4.1: 2 of 1,614,062 alleles (0.00012%); highest among the groups gnomAD compares: Non-Finnish European, 0.000085%; no homozygotes.

Submissions (3):

Fulgent Genetics
Classification: Uncertain significance for Neuropathy, hereditary sensory and autonomic, type 2A; Pseudohypoaldosteronism type 2C. Last evaluated: 2024-01-22. Review status: criteria provided, single submitter. Criteria: ACMG Guidelines, 2015. Collection method: clinical testing. Allele origin: germline.

Labcorp Genetics (formerly Invitae), Labcorp
Classification: Uncertain significance for Neuropathy, hereditary sensory and autonomic, type 2A; Pseudohypoaldosteronism type 2C. Last evaluated: 2023-06-17. Review status: criteria provided, single submitter. Criteria: Invitae Variant Classification Sherloc (09022015). Collection method: clinical testing. Allele origin: germline.
Comment: ClinVar contains an entry for this variant (Variation ID: 1745692). This variant has not been reported in the literature in individuals affected with WNK1-related conditions. This variant is not present in population databases (gnomAD no frequency). This sequence change replaces proline, which is neutral and non-polar, with leucine, which is neutral and non-polar, at codon 1719 of the WNK1 protein (p.Pro1719Leu). Advanced modeling of protein sequence and biophysical properties (such as structural, functional, and spatial information, amino acid conservation, physicochemical variation, residue mobility, and thermodynamic stability) performed at Invitae indicates that this missense variant is not expected to disrupt WNK1 protein function. In summary, the available evidence is currently insufficient to determine the role of this variant in disease. Therefore, it has been classified as a Variant of Uncertain Significance.

Ambry Genetics
Classification: Uncertain significance for Inborn genetic diseases. Last evaluated: 2020-01-20. Review status: criteria provided, single submitter. Criteria: Ambry Variant Classification Scheme 2023. Collection method: clinical testing. Allele origin: germline.
Comment: The p.P1719L variant (also known as c.5156C>T), located in coding exon 19 of the WNK1 gene, results from a C to T substitution at nucleotide position 5156. The proline at codon 1719 is replaced by leucine, an amino acid with similar properties. This amino acid position is not well conserved in available vertebrate species, and leucine is the reference amino acid in other vertebrate species. In addition, this alteration is predicted to be tolerated by in silico analysis. Since supporting evidence is limited at this time, the clinical significance of this alteration remains unclear.

NM_018979.4(WNK1):c.4400C>T (p.Pro1467Leu)

Gene: WNK1 (WNK lysine deficient protein kinase 1; plus strand). Cytogenetic location: 12p13.33.
Variant type: single nucleotide variant.
Coding change: c.4400C>T on transcript NM_018979.4 (MANE Select); coding-DNA position 4400, C replaced by T.
Protein change: p.Pro1467Leu; replaces proline 1467 with leucine.
Molecular consequence: missense variant.
Genome position (GRCh38, 1-based): chr12:885,204, C>T. VCF-style: chr12-885204-C-T. GRCh37 (hg19) VCF-style: chr12-994370-C-T.
Other names: c.5180C>T, p.Pro1727Leu (NM_001184985.2); c.3659C>T, p.Pro1220Leu (NM_014823.3); c.5156C>T, p.Pro1719Leu (NM_213655.5); short protein forms P1467L, P1719L, P1727L, P1220L.
Identifiers: ClinVar variation 1745692 (VCV001745692.6), dbSNP rs1953542458, ClinGen allele CA383331150.